The following is an entry in ClinVar:

ClinVar aggregate classification (germline): Uncertain significance. Review status: criteria provided, multiple submitters, no conflicts (2 of 4 stars). 3 submissions from 3 submitters: Uncertain significance (2). 1 of the submissions does not count toward it. Last evaluated 2026-03-04.

Conditions:
Hereditary cancer-predisposing syndrome. Also called: Neoplastic Syndromes, Hereditary; Tumor predisposition; Hereditary Cancer Syndrome; Hereditary neoplastic syndrome. Identifiers: Orphanet 140162, MedGen C0027672, MeSH D009386, MONDO:0015356.
Fumarase deficiency (FMRD). Also called: Fumarate Hydratase Deficiency; Fumaric aciduria. Identifiers: Orphanet 24, MedGen C0342770, MONDO:0011730, OMIM 606812.

Allele frequency attached by ClinVar (database versions not stated): gnomAD exomes below 0.00001; TOPMed 0.00001.
gnomAD v4.1: 2 of 1,614,068 alleles (0.00012%); highest among the groups gnomAD compares: African/African-American, 0.0013%; no homozygotes.

Submissions (4):

Ambry Genetics
Classification: Uncertain significance for Hereditary cancer-predisposing syndrome. Last evaluated: 2026-03-04. Review status: criteria provided, single submitter. Criteria: Ambry Variant Classification Scheme 2023. Collection method: clinical testing. Allele origin: germline.
Comment: The p.A70V variant (also known as c.209C>T), located in coding exon 2 of the FH gene, results from a C to T substitution at nucleotide position 209. The alanine at codon 70 is replaced by valine, an amino acid with similar properties. This variant was reported in individual(s) with features consistent with FH-related tumor predisposition (Zavoshi S et al. Urology, 2023 Jun;176:106-114). This amino acid position is highly conserved in available vertebrate species. In addition, this alteration is predicted to be deleterious by in silico analysis. Based on the available evidence, the clinical significance of this variant remains unclear.

Labcorp Genetics (formerly Invitae), Labcorp
Classification: Uncertain significance. Last evaluated: 2025-11-05. Review status: criteria provided, single submitter. Criteria: Invitae Variant Classification Sherloc (09022015). Collection method: clinical testing. Allele origin: germline.
Comment: This sequence change replaces alanine, which is neutral and non-polar, with valine, which is neutral and non-polar, at codon 70 of the FH protein (p.Ala70Val). This variant is not present in population databases (gnomAD no frequency). This missense change has been observed in individual(s) with FH-related conditions (PMID: 36773955). ClinVar contains an entry for this variant (Variation ID: 649267). Invitae Evidence Modeling of protein sequence and biophysical properties (such as structural, functional, and spatial information, amino acid conservation, physicochemical variation, residue mobility, and thermodynamic stability) indicates that this missense variant is expected to disrupt FH protein function with a positive predictive value of 95%. In summary, the available evidence is currently insufficient to determine the role of this variant in disease. Therefore, it has been classified as a Variant of Uncertain Significance.

Natera, Inc.
Classification: Uncertain significance for Fumarase Deficiency. Last evaluated: 2021-08-02. Review status: no assertion criteria provided. Collection method: clinical testing. Allele origin: germline. Not counted in ClinVar's aggregate classification.

Blake Wilde Laboratory, Roswell Park Comprehensive Cancer Center
No classification provided (evidence only). Condition: Hereditary leiomyomatosis and renal cell cancer. Review status: no classification provided. Collection method: in vitro. Allele origin: not applicable. Functional consequence: functionally normal. Not counted in ClinVar's aggregate classification.

Literature cited by the submitters: PubMed 36773955 (cited by Ambry Genetics and Labcorp Genetics (formerly Invitae), Labcorp).

NM_000143.4(FH):c.209C>T (p.Ala70Val)

Gene: FH (fumarate hydratase; minus strand). Cytogenetic location: 1q43.
Variant type: single nucleotide variant.
Coding change: c.209C>T on transcript NM_000143.4 (MANE Select); coding-DNA position 209, C replaced by T.
Protein change: p.Ala70Val; replaces alanine 70 with valine.
Molecular consequence: missense variant.
Genome position (GRCh38, 1-based): chr1:241,517,240, G>A on the plus strand (C>T on the coding strand, the complement: FH is on the minus strand). VCF-style: chr1-241517240-G-A. GRCh37 (hg19) VCF-style: chr1-241680540-G-A.
Other names: short protein forms A70V.
Identifiers: ClinVar variation 649267 (VCV000649267.14), dbSNP rs1573888433, ClinGen allele CA345441815.